The following is an entry in ClinVar:

NM_003482.4(KMT2D):c.11266C>T (p.Gln3756Ter)

Gene: KMT2D (lysine methyltransferase 2D; minus strand). Cytogenetic location: 12q13.12.
Variant type: single nucleotide variant.
Coding change: c.11266C>T on transcript NM_003482.4 (MANE Select); coding-DNA position 11266, C replaced by T.
Protein change: p.Gln3756Ter; replaces glutamine 3756 with a stop codon.
Molecular consequence: nonsense.
Genome position (GRCh38, 1-based): chr12:49,033,439, G>A on the plus strand (C>T on the coding strand, the complement: KMT2D is on the minus strand). VCF-style: chr12-49033439-G-A. GRCh37 (hg19) VCF-style: chr12-49427222-G-A.
Other names: short protein forms Q3756*.
Identifiers: ClinVar variation 2747890 (VCV002747890.3), dbSNP rs2498364326, ClinGen allele CA384720479.
Genomic context (GRCh38, chr12:49,033,439, plus strand): 5'-GGCCCTGGGGCTTGGGACCCAGAGCTTGGTTTGTCTGTACTCCAGGACCCTGCTGCTGTT[G>A]CTGCTGGATTGCCACCTGTCCTAGAAGGTGCTGCTGCTGCTGTTGCTGCTGCTGCTGCTG-3'

ClinVar aggregate classification (germline): Pathogenic (1 of 4 stars; one submission).

Conditions:
Kabuki syndrome. Also called: NIIKAWA-KUROKI SYNDROME; Kabuki make-up syndrome. Identifiers: Orphanet 2322, MedGen C0796004, MONDO:0016512.

Submission:

Labcorp Genetics (formerly Invitae), Labcorp
Classification: Pathogenic for Kabuki syndrome. Last evaluated: 2024-10-22. Review status: criteria provided, single submitter. Criteria: Invitae Variant Classification Sherloc (09022015). Collection method: clinical testing. Allele origin: germline.
Comment: This sequence change creates a premature translational stop signal (p.Gln3756*) in the KMT2D gene. It is expected to result in an absent or disrupted protein product. Loss-of-function variants in KMT2D are known to be pathogenic (PMID: 22126750). This variant is not present in population databases (gnomAD no frequency). This variant has not been reported in the literature in individuals affected with KMT2D-related conditions. For these reasons, this variant has been classified as Pathogenic.

Literature cited by the submitters: PubMed 22126750.